The following is an entry in ClinVar:

ClinVar aggregate classification (germline): Uncertain significance (1 of 4 stars; one submission).

Allele frequency attached by ClinVar (database versions not stated): gnomAD exomes below 0.00001.
gnomAD v4.1: 3 of 1,613,084 alleles (0.00019%); highest among the groups gnomAD compares: Non-Finnish European, 0.00025%; no homozygotes.

Submission:

Ambry Genetics
Classification: Uncertain significance. Last evaluated: 2024-05-28. Review status: criteria provided, single submitter. Criteria: Ambry Variant Classification Scheme 2023. Collection method: clinical testing. Allele origin: germline.
Comment: The p.G176R variant (also known as c.526G>C), located in coding exon 4 of the IDH1 gene, results from a G to C substitution at nucleotide position 526. The glycine at codon 176 is replaced by arginine, an amino acid with dissimilar properties. This amino acid position is conserved. In addition, this alteration is predicted to be deleterious by in silico analysis. Since supporting evidence is limited at this time, the clinical significance of this alteration remains unclear.

NM_005896.4(IDH1):c.526G>C (p.Gly176Arg)

Gene: IDH1 (isocitrate dehydrogenase (NADP(+)) 1; minus strand). Cytogenetic location: 2q34.
Variant type: single nucleotide variant.
Coding change: c.526G>C on transcript NM_005896.4 (MANE Select); coding-DNA position 526, G replaced by C.
Protein change: p.Gly176Arg; replaces glycine 176 with arginine.
Molecular consequence: missense variant.
Genome position (GRCh38, 1-based): chr2:208,243,599, C>G on the plus strand (G>C on the coding strand, the complement: IDH1 is on the minus strand). VCF-style: chr2-208243599-C-G. GRCh37 (hg19) VCF-style: chr2-209108323-C-G.
Other names: c.526G>C, p.Gly176Arg (NM_001282386.1, NM_001282387.1); short protein forms G176R.
Identifiers: ClinVar variation 1746507 (VCV001746507.3), dbSNP rs2124854152, ClinGen allele CA350099880.
Genomic context (GRCh38, chr2:208,243,599, plus strand): 5'-AACTGTGTGCAAAATCTTCAATTGACTTATCTTGATTATACATCCCCATGGCAACACCAC[C>G]ACCTTCTGTAGAGGAGAAGCCAGTGAGAGGAAAAAAGGGAGAAGAATAAATGTAATGTAG-3'
Protein context (NP_005887.2, residues 166-186): TYLVHNFEEG[Gly176Arg]GVAMGMYNQD